The following is an entry in ClinVar:

ClinVar aggregate classification (germline): Uncertain significance. Review status: criteria provided, multiple submitters, no conflicts (2 of 4 stars). 3 submissions from 3 submitters: Uncertain significance (3). Last evaluated 2025-03-08.

Conditions:
Inborn genetic diseases. Identifiers: MedGen C0950123, MeSH D030342.
Charcot-Marie-Tooth disease type 4. Also called: Charcot-Marie-Tooth, Type 4; Charcot-Marie-Tooth disease, type IV. Identifiers: Orphanet 64749, MedGen C4082197, MONDO:0018995.
Charcot-Marie-Tooth disease. Also called: Charcot-Marie-Tooth Hereditary Neuropathy; Charcot-Marie-Tooth Neuropathy. Identifiers: Orphanet 166, MedGen C0007959, MONDO:0015626.

Allele frequency attached by ClinVar (database versions not stated): gnomAD 0.00001; TOPMed 0.00001.
gnomAD v4.1: 18 of 1,614,078 alleles (0.0011%); highest among the groups gnomAD compares: Non-Finnish European, 0.0014%; no homozygotes.

Submissions (3):

Ambry Genetics
Classification: Uncertain significance for Inborn genetic diseases. Last evaluated: 2025-03-08. Review status: criteria provided, single submitter. Criteria: Ambry Variant Classification Scheme 2023. Collection method: clinical testing. Allele origin: germline.

Labcorp Genetics (formerly Invitae), Labcorp
Classification: Uncertain significance for Charcot-Marie-Tooth disease type 4. Last evaluated: 2023-02-06. Review status: criteria provided, single submitter. Criteria: Invitae Variant Classification Sherloc (09022015). Collection method: clinical testing. Allele origin: germline.
Comment: In summary, the available evidence is currently insufficient to determine the role of this variant in disease. Therefore, it has been classified as a Variant of Uncertain Significance. Advanced modeling of protein sequence and biophysical properties (such as structural, functional, and spatial information, amino acid conservation, physicochemical variation, residue mobility, and thermodynamic stability) performed at Invitae indicates that this missense variant is not expected to disrupt PRX protein function. This sequence change replaces lysine, which is basic and polar, with glutamine, which is neutral and polar, at codon 749 of the PRX protein (p.Lys749Gln). This variant is present in population databases (rs755014286, gnomAD 0.003%). This variant has not been reported in the literature in individuals affected with PRX-related conditions. ClinVar contains an entry for this variant (Variation ID: 917242).

Molecular Genetics Laboratory, London Health Sciences Centre
Classification: Uncertain significance for Charcot-Marie-Tooth disease. Review status: criteria provided, single submitter. Criteria: ACMG Guidelines, 2015. Collection method: clinical testing. Allele origin: germline. Affected: yes.

NM_181882.3(PRX):c.2245A>C (p.Lys749Gln)

Gene: PRX (periaxin; minus strand). Cytogenetic location: 19q13.2.
Variant type: single nucleotide variant.
Coding change: c.2245A>C on transcript NM_181882.3 (MANE Select); coding-DNA position 2245, A replaced by C.
Protein change: p.Lys749Gln; replaces lysine 749 with glutamine.
Molecular consequence: missense variant. On other transcripts: 3 prime UTR variant (1).
Genome position (GRCh38, 1-based): chr19:40,396,107, T>G on the plus strand (A>C on the coding strand, the complement: PRX is on the minus strand). VCF-style: chr19-40396107-T-G. GRCh37 (hg19) VCF-style: chr19-40902014-T-G.
Other names: c.2245A>C (NM_181882.2); c.*2450A>C (NM_020956.2); short protein forms K749Q.
Identifiers: ClinVar variation 917242 (VCV000917242.7), dbSNP rs755014286, ClinGen allele CA9444103.